The following is an entry in ClinVar:

NM_001283009.2(RTEL1):c.527A>G (p.Asn176Ser)

Genes: RTEL1 (regulator of telomere elongation helicase 1; plus strand), RTEL1-TNFRSF6B (RTEL1-TNFRSF6B readthrough (NMD candidate); plus strand). Cytogenetic location: 20q13.33.
Variant type: single nucleotide variant.
Coding change: c.527A>G on transcript NM_001283009.2 (MANE Select); coding-DNA position 527, A replaced by G.
Protein change: p.Asn176Ser; replaces asparagine 176 with serine.
Molecular consequence: missense variant. On other transcripts: non-coding transcript variant (1), 5 prime UTR variant (1).
Genome position (GRCh38, 1-based): chr20:63,662,878, A>G. VCF-style: chr20-63662878-A-G. GRCh37 (hg19) VCF-style: chr20-62294231-A-G.
Other names: c.-143A>G (NM_001283010.1); c.527A>G, p.Asn176Ser (NM_016434.4); c.599A>G, p.Asn200Ser (NM_032957.5); short protein forms N176S, N200S.
Identifiers: ClinVar variation 4863544 (VCV004863544.1).

ClinVar aggregate classification (germline): Uncertain significance (1 of 4 stars; one submission).

Conditions:
Inborn genetic diseases. Identifiers: MedGen C0950123, MeSH D030342.

Submission:

Ambry Genetics
Classification: Uncertain significance for Inborn genetic diseases. Last evaluated: 2026-04-08. Review status: criteria provided, single submitter. Criteria: Ambry Variant Classification Scheme 2023. Collection method: clinical testing. Allele origin: germline.
Comment: The p.N176S variant (also known as c.527A>G), located in coding exon 5 of the RTEL1 gene, results from an A to G substitution at nucleotide position 527. The asparagine at codon 176 is replaced by serine, an amino acid with highly similar properties. This amino acid position is conserved. In addition, this alteration is predicted to be tolerated by in silico analysis. Based on the available evidence, the clinical significance of this variant remains unclear.